The following is an entry in ClinVar:

ClinVar aggregate classification (germline): Uncertain significance (1 of 4 stars; one submission).

Conditions:
Dystonia 22, juvenile-onset (DYT22JO). Identifiers: MedGen C5830645, MONDO:0957539, OMIM 620453.

gnomAD v4.1: 12 of 1,534,822 alleles (0.00078%); highest among the groups gnomAD compares: East Asian, 0.029%; no homozygotes.

Submission:

Department of Neurology, Jinhua Municipal Central Hospital
Classification: Uncertain significance for Dystonia 22, juvenile-onset. Last evaluated: 2026-08-04. Review status: criteria provided, single submitter. Criteria: ACMG Guidelines, 2015. Collection method: provider interpretation. Allele origin: maternal, unknown. Inheritance: Autosomal recessive inheritance. Observed: 2 variant alleles, 2 heterozygotes. Clinical features observed: Ataxia (HP:0001251), Dystonic disorder (HP:0001332), Dysarthria (HP:0001260), Cerebellar atrophy (HP:0001272).
Comment: Based on the ACMG/AMP framework, this variant is classified as a variant of uncertain significance because the available evidence is insufficient to establish or exclude pathogenicity. No functional validation or independent affected families are currently available.

NM_004758.4(TSPOAP1):c.854G>C (p.Arg285Pro)

Genes: TSPOAP1 (TSPO associated protein 1; minus strand), LOC130061275 (ATAC-STARR-seq lymphoblastoid silent region 8763; plus strand). Cytogenetic location: 17q22.
Variant type: single nucleotide variant.
Coding change: c.854G>C on transcript NM_004758.4 (MANE Select); coding-DNA position 854, G replaced by C.
Protein change: p.Arg285Pro; replaces arginine 285 with proline.
Molecular consequence: missense variant.
Genome position (GRCh38, 1-based): chr17:58,324,899, C>G on the plus strand (G>C on the coding strand, the complement: TSPOAP1 is on the minus strand). VCF-style: chr17-58324899-C-G. GRCh37 (hg19) VCF-style: chr17-56402260-C-G.
Other names: c.854G>C, p.Arg285Pro (NM_001261835.2); c.674G>C, p.Arg225Pro (NM_024418.3); short protein forms R225P, R285P.
Identifiers: ClinVar variation 4884292 (VCV004884292.1).